The following is an entry in ClinVar:

NM_020693.4(DSCAML1):c.5890G>A (p.Ala1964Thr)

Gene: DSCAML1 (DS cell adhesion molecule like 1; minus strand). Cytogenetic location: 11q23.3.
Variant type: single nucleotide variant.
Coding change: c.5890G>A on transcript NM_020693.4 (MANE Select); coding-DNA position 5890, G replaced by A.
Protein change: p.Ala1964Thr; replaces alanine 1964 with threonine.
Molecular consequence: missense variant.
Genome position (GRCh38, 1-based): chr11:117,428,600, C>T on the plus strand (G>A on the coding strand, the complement: DSCAML1 is on the minus strand). VCF-style: chr11-117428600-C-T. GRCh37 (hg19) VCF-style: chr11-117299316-C-T.
Other names: short protein forms A1964T.
Identifiers: ClinVar variation 2184354 (VCV002184354.4), dbSNP rs761872269, ClinGen allele CA6295937.

ClinVar aggregate classification (germline): Uncertain significance (1 of 4 stars; one submission).

Allele frequency attached by ClinVar (database versions not stated): gnomAD exomes 0.00001.
gnomAD v4.1: 14 of 1,600,596 alleles (0.00087%); highest among the groups gnomAD compares: East Asian, 0.018%; no homozygotes.

Submission:

Labcorp Genetics (formerly Invitae), Labcorp
Classification: Uncertain significance. Last evaluated: 2022-09-27. Review status: criteria provided, single submitter. Criteria: Invitae Variant Classification Sherloc (09022015). Collection method: clinical testing. Allele origin: germline.
Comment: In summary, the available evidence is currently insufficient to determine the role of this variant in disease. Therefore, it has been classified as a Variant of Uncertain Significance. This sequence change replaces alanine, which is neutral and non-polar, with threonine, which is neutral and polar, at codon 2024 of the DSCAML1 protein (p.Ala2024Thr). This variant is present in population databases (rs761872269, gnomAD 0.005%). This variant has not been reported in the literature in individuals affected with DSCAML1-related conditions. Algorithms developed to predict the effect of missense changes on protein structure and function output the following: SIFT: "Tolerated"; PolyPhen-2: "Benign"; Align-GVGD: "Class C0". The threonine amino acid residue is found in multiple mammalian species, which suggests that this missense change does not adversely affect protein function.